The following continues an entry in ClinVar:

NM_000402.4(G6PD):c.1478G>A (p.Arg493His)

Gene: G6PD. ClinVar aggregate classification (germline): Pathogenic. Pathogenic (26).

Submissions 24 to 33 of 33:

Clinical Genetics Service, Universitary Hospital 12 de Octubre
Classification: Pathogenic for Anemia, nonspherocytic hemolytic, due to G6PD deficiency. Review status: criteria provided, single submitter. Criteria: ACMG Guidelines, 2015. Collection method: clinical testing. Allele origin: maternal. Affected: yes.

Department of Traditional Chinese Medicine, Fujian Provincial Hospital
Classification: Pathogenic for Anemia, nonspherocytic hemolytic, due to G6PD deficiency. Review status: criteria provided, single submitter. Criteria: ACMG Guidelines, 2015. Collection method: research. Allele origin: inherited.
Comment: According to the ACMG guidelines, this mutation conforms to: PS3 (Well-established in vitro or in vivo functional studies supportive of a damaging effect on the gene or gene product.); PP3_Moderate (Multiple lines of computational evidence support a deleterious effect on the gene or gene product.); PS4_Moderate (The prevalence of the variant in affected individuals is significantly increased compared to the prevalence in controls.); PP1 (Co-segregation with disease in multiple affected family members in a gene definitively known to cause the disease.); and PP4 (Patient’s phenotype or family history is highly specific for a disease with a single genetic etiology.) . Therefore, this mutation point is considered to be pathogenic.

Juno Genomics, Hangzhou Juno Genomics, Inc
Classification: Pathogenic for Malaria, susceptibility to; Anemia, nonspherocytic hemolytic, due to G6PD deficiency. Review status: criteria provided, single submitter. Criteria: ACMG Guidelines, 2015. Collection method: clinical testing. Allele origin: germline.
Comment: The prevalence of the variant in affected individuals is significantly increased compared to the prevalence in controls.;Patient's phenotype or family history is highly specific for a disease with a single genetic etiology.;Well-established in vitro or in vivo functional studies supportive of a damaging effect on the gene or gene product.;Novel missense change at an amino acid residue where a different missense change determined to be pathogenic has been seen before.

Gene Friend Way, National Innovation Center
Classification: Pathogenic for Type 2 diabetes mellitus. Last evaluated: 2025-01-01. Review status: no assertion criteria provided. Collection method: clinical testing. Allele origin: unknown. Affected: yes. Observed: 1 variant allele. Not counted in ClinVar's aggregate classification.
Comment: In silico analysis predict the effect of missense changes on protein structure and function that this variant is likely to be disruptive. The variant is located in a mutational hot spot and/or well-established functional domain in which established pathogenic variants have been reported. Studies reported this variant as one of the most common pathogenic variants associated with glucose-6-phosphate dehydrogenase deficiency in the East Asian population (PMID: 36949502; 33051526). G6PD deficiency is a genetic disorder that poses a significantly higher risk for developing Type 2 diabetes and its complications (PMID: 38834682).

Reproductive Health Research and Development, BGI Genomics
Classification: Pathogenic for Glucose 6 phosphate dehydrogenase deficiency. Last evaluated: 2020-01-06. Review status: no assertion criteria provided. Collection method: curation. Allele origin: germline. Not counted in ClinVar's aggregate classification.
Comment: NM_001042351.1:c.1388G>A in the G6PD gene has an allele frequency of 0.007 in East Asian subpopulation in the gnomAD database. This variant has been described as a common cause of glucose-6-phosphate dehydrogenase deficiency in Southeast Asia, although it has also been reported in affected individuals from other populations (PMID: 9589612, 30315739, 17726510, 21446359, 15906717, 15223006, 20236109). Experimental studies have shown that this missense change causes a significant reduction in enzyme activity and affinity for glucose-6-phosphate (PMID: 16607506). Pathogenic computational verdict because pathogenic predictions from DANN, DEOGEN2, FATHMM-MKL, M-CAP, MVP, MutationAssessor, MutationTaster, REVEL and SIFTT. aken together, we interprete this variant as Pathogenic/Likely pathogenic. ACMG/AMP Criteria applied: PS3; PS4; PP4.

OMIM
Classification: other for G6PD KAIPING. Last evaluated: 2017-05-24. Review status: no assertion criteria provided. Collection method: literature only. Allele origin: germline. Not counted in ClinVar's aggregate classification.

OMIM
Classification: other for G6PD ANANT. Last evaluated: 2017-05-24. Review status: no assertion criteria provided. Collection method: literature only. Allele origin: germline. Not counted in ClinVar's aggregate classification.

OMIM
Classification: other for G6PD DHON. Last evaluated: 2017-05-24. Review status: no assertion criteria provided. Collection method: literature only. Allele origin: germline. Not counted in ClinVar's aggregate classification.

OMIM
Classification: other for G6PD PETRICH-LIKE. Last evaluated: 2017-05-24. Review status: no assertion criteria provided. Collection method: literature only. Allele origin: germline. Not counted in ClinVar's aggregate classification.

OMIM
Classification: other for G6PD SAPPORO-LIKE. Last evaluated: 2017-05-24. Review status: no assertion criteria provided. Collection method: literature only. Allele origin: germline. Not counted in ClinVar's aggregate classification.

Literature cited by the submitters: PubMed 38970298 (cited by Department of Otolaryngology Head and Neck Surgery, Hainan Hospital of the Chinese People’s Liberation Army General Hospital); PubMed 17877203 (cited by Department of Otolaryngology Head and Neck Surgery, Hainan Hospital of the Chinese People’s Liberation Army General Hospital); PubMed 12215013 (cited by Variantyx, Inc.); PubMed 28376293 (cited by Variantyx, Inc.); PubMed 9589612 (cited by Labcorp Genetics (formerly Invitae), Labcorp and Dunham Lab, University of Washington); PubMed 30315739 (cited by Labcorp Genetics (formerly Invitae), Labcorp and Dunham Lab, University of Washington); PubMed 17726510 (cited by Labcorp Genetics (formerly Invitae), Labcorp); PubMed 21446359 (cited by Labcorp Genetics (formerly Invitae), Labcorp); PubMed 15906717 (cited by Labcorp Genetics (formerly Invitae), Labcorp); PubMed 15223006 (cited by Labcorp Genetics (formerly Invitae), Labcorp); PubMed 20236109 (cited by Labcorp Genetics (formerly Invitae), Labcorp); PubMed 1953767 (cited by 3 submitters); PubMed 12064920 (cited by 3billion and Ambry Genetics); PubMed 16607506 (cited by Women's Health and Genetics/Laboratory Corporation of America, LabCorp and Dunham Lab, University of Washington); PubMed 19076170 (cited by Women's Health and Genetics/Laboratory Corporation of America, LabCorp); PubMed 33051526 (cited by 4 submitters); PubMed 36949502 (cited by Illumina Laboratory Services, Illumina and Gene Friend Way, National Innovation Center); PubMed 3198117 (cited by Dunham Lab, University of Washington); PubMed 7803800 (cited by Dunham Lab, University of Washington); PubMed 11793482 (cited by Dunham Lab, University of Washington); PubMed 7390473 (cited by Dunham Lab, University of Washington and OMIM); PubMed 8471773 (cited by Dunham Lab, University of Washington); PubMed 10502785 (cited by Dunham Lab, University of Washington); PubMed 15727905 (cited by Dunham Lab, University of Washington); PubMed 31863082 (cited by Dunham Lab, University of Washington); PubMed 18046504 (cited by Dunham Lab, University of Washington); PubMed 1459579 (cited by Dunham Lab, University of Washington); PubMed 4721339 (cited by Dunham Lab, University of Washington); PubMed 8244337 (cited by Dunham Lab, University of Washington); PubMed 30045279 (cited by Dunham Lab, University of Washington); PubMed 12497642 (cited by Dunham Lab, University of Washington); PubMed 16329560 (cited by Dunham Lab, University of Washington); PubMed 16513531 (cited by Dunham Lab, University of Washington); PubMed 32180910 (cited by Dunham Lab, University of Washington); PubMed 7327562 (cited by Dunham Lab, University of Washington and OMIM); PubMed 7590755 (cited by Dunham Lab, University of Washington); PubMed 20200584 (cited by Dunham Lab, University of Washington); PubMed 31489982 (cited by Dunham Lab, University of Washington); PubMed 16927025 (cited by Dunham Lab, University of Washington); PubMed 34934109 (cited by Dunham Lab, University of Washington and Department of Traditional Chinese Medicine, Fujian Provincial Hospital); PubMed 31862010 (cited by Dunham Lab, University of Washington and Department of Traditional Chinese Medicine, Fujian Provincial Hospital); PubMed 35840819 (cited by Dunham Lab, University of Washington and Department of Traditional Chinese Medicine, Fujian Provincial Hospital); PubMed 9192788 (cited by Ambry Genetics); PubMed 15766741 (cited by Ambry Genetics); PubMed 38834682 (cited by Gene Friend Way, National Innovation Center); Zuo, L., Chen, E., Du, C. S., Chang, C. N., Chiu, D. T. Y. Genetic study of Chinese G6PD variants by direct PCR sequencing. (Abstract) Blood 76 (suppl. 1): 51A, 1990. (cited by OMIM); Du, C.-S., Hua, X.-Y., Wu, Q.-L., Li, C.-Q., Zheng, J.-F., Li, H.-L. Studies on erythrocyte glucose-6-phosphate dehydrogenase variants in Chinese. IV. Gd(-) Gaohe associated with paroxysmal nocturnal hemoglobinuria. Chinese J. Pathophysiol. 1: 12-15, 1985. (cited by OMIM); PubMed 4837298 (cited by OMIM); Panich, V. G6PD characterization in Thailand. Genetics 74 (suppl.): s208-only, 1973. (cited by OMIM).